The following is an entry in ClinVar:

ClinVar aggregate classification (germline): Uncertain significance. Review status: criteria provided, multiple submitters, no conflicts (2 of 4 stars). 2 submissions from 2 submitters: Uncertain significance (2). Last evaluated 2023-01-04.

Conditions:
Holoprosencephaly 3 (HPE3). Identifiers: Orphanet 2162, MedGen C1840529, MONDO:0007733, OMIM 142945.

Submissions (2):

GeneDx
Classification: Uncertain significance. Last evaluated: 2023-01-04. Review status: criteria provided, single submitter. Criteria: GeneDx Variant Classification Process June 2021. Collection method: clinical testing. Allele origin: germline. Affected: yes.
Comment: Not observed at significant frequency in large population cohorts (gnomAD); In silico analysis supports that this missense variant does not alter protein structure/function; Has not been previously published as pathogenic or benign to our knowledge

Labcorp Genetics (formerly Invitae), Labcorp
Classification: Uncertain significance for Holoprosencephaly 3. Last evaluated: 2022-08-27. Review status: criteria provided, single submitter. Criteria: Invitae Variant Classification Sherloc (09022015). Collection method: clinical testing. Allele origin: germline.
Comment: This sequence change replaces arginine, which is basic and polar, with proline, which is neutral and non-polar, at codon 308 of the SHH protein (p.Arg308Pro). In summary, the available evidence is currently insufficient to determine the role of this variant in disease. Therefore, it has been classified as a Variant of Uncertain Significance. Algorithms developed to predict the effect of missense changes on protein structure and function are either unavailable or do not agree on the potential impact of this missense change (SIFT: "Deleterious"; PolyPhen-2: "Benign"; Align-GVGD: "Class C0"). This variant has not been reported in the literature in individuals affected with SHH-related conditions. This variant is not present in population databases (gnomAD no frequency).

NM_000193.4(SHH):c.923G>C (p.Arg308Pro)

Gene: SHH (sonic hedgehog signaling molecule; minus strand). Cytogenetic location: 7q36.3.
Variant type: single nucleotide variant.
Coding change: c.923G>C on transcript NM_000193.4 (MANE Select); coding-DNA position 923, G replaced by C.
Protein change: p.Arg308Pro; replaces arginine 308 with proline.
Molecular consequence: missense variant. On other transcripts: intron variant (1).
Genome position (GRCh38, 1-based): chr7:155,803,366, C>G on the plus strand (G>C on the coding strand, the complement: SHH is on the minus strand). VCF-style: chr7-155803366-C-G. GRCh37 (hg19) VCF-style: chr7-155596060-C-G.
Other names: c.923G>C (NM_000193.2); c.301+2930G>C (NM_001310462.2); short protein forms R308P.
Identifiers: ClinVar variation 2123430 (VCV002123430.5), dbSNP rs2535893314, ClinGen allele CA370145674.